The following is an entry in ClinVar:

NM_001114748.2(TMEM240):c.209TGG[1] (p.Val71del)

Gene: TMEM240 (transmembrane protein 240; minus strand). Cytogenetic location: 1p36.33.
Variant type: Microsatellite.
Coding change: c.209TGG[1] on transcript NM_001114748.2 (MANE Select); one copy of the 3-base unit TGG starting at c.209; the reference has two copies in a row; one copy, 3 bases deleted.
Protein change: p.Val71del; deletes valine 71.
Genome position (GRCh38, 1-based): chr1:1,535,748-1,535,750, CCA deleted on the plus strand (TGG on the coding strand, the reverse complement: TMEM240 is on the minus strand); deleting any 3 consecutive bases within chr1:1,535,748-1,535,755 gives the same sequence; the position shown is the placement nearest the transcript's 3' end. VCF-style (leftmost placement, unchanged base first): chr1-1535747-TCCA-T. GRCh37 (hg19) VCF-style: chr1-1471127-TCCA-T.
Other names: short protein forms V71del.
Identifiers: ClinVar variation 3365645 (VCV003365645.1).

ClinVar aggregate classification (germline): Uncertain significance (1 of 4 stars; one submission).

Submission:

GeneDx
Classification: Uncertain significance. Last evaluated: 2023-12-18. Review status: criteria provided, single submitter. Criteria: GeneDx Variant Classification Process June 2021. Collection method: clinical testing. Allele origin: germline. Affected: yes.
Comment: Not observed at significant frequency in large population cohorts (gnomAD); In-frame deletion of 1 amino acids in a non-repeat region; In silico analysis supports a deleterious effect on protein structure/function; Has not been previously published as pathogenic or benign to our knowledge